The following is an entry in ClinVar:

ClinVar aggregate classification (germline): Likely benign. Review status: criteria provided, multiple submitters, no conflicts (2 of 4 stars). 2 submissions from 2 submitters: Likely benign (2). Last evaluated 2025-01-02.

Conditions:
Spinocerebellar ataxia, autosomal recessive, with axonal neuropathy 2 (SCAN2). Also called: Ataxia-ocular apraxia-2; Ataxia with Oculomotor Apraxia Type 2; ATAXIA-OCULOMOTOR APRAXIA 2; Ataxia with Oculomotor Apraxia. Identifiers: Orphanet 64753, MedGen C1853761, MONDO:0018996, OMIM 606002.
Amyotrophic lateral sclerosis type 4 (ALS4). Also called: AMYOTROPHIC LATERAL SCLEROSIS 4, JUVENILE; NEURONOPATHY, DISTAL HEREDITARY MOTOR, WITH PYRAMIDAL FEATURES. Identifiers: Orphanet 357043, MedGen C1865409, MONDO:0011223, OMIM 602433.
SETX-related disorder. Also called: SETX-related condition; SETX-related disorders. Identifiers: MedGen CN239403.

Allele frequency attached by ClinVar (database versions not stated): gnomAD exomes below 0.00001 and 0.00001; TOPMed below 0.00001.
gnomAD v4.1: 10 of 1,613,480 alleles (0.00062%); highest among the groups gnomAD compares: Middle Eastern, 0.049%; no homozygotes.

Submissions (2):

PreventionGenetics, part of Exact Sciences
Classification: Likely benign for SETX-related condition. Last evaluated: 2025-01-02. Review status: criteria provided, single submitter. Criteria: ACMG Guidelines, 2015. Collection method: clinical testing. Allele origin: germline.
Comment: This variant is classified as likely benign based on ACMG/AMP sequence variant interpretation guidelines (Richards et al. 2015 PMID: 25741868, with internal and published modifications).

Labcorp Genetics (formerly Invitae), Labcorp
Classification: Likely benign for Amyotrophic lateral sclerosis type 4; Spinocerebellar ataxia, autosomal recessive, with axonal neuropathy 2. Last evaluated: 2024-09-06. Review status: criteria provided, single submitter. Criteria: Invitae Variant Classification Sherloc (09022015). Collection method: clinical testing. Allele origin: germline.

NM_015046.7(SETX):c.2037A>G (p.Leu679=)

Gene: SETX (senataxin; minus strand). Cytogenetic location: 9q34.13.
Variant type: single nucleotide variant.
Coding change: c.2037A>G on transcript NM_015046.7 (MANE Select); coding-DNA position 2037, A replaced by G.
Protein change: p.Leu679=; no amino-acid change (leucine 679 retained).
Molecular consequence: synonymous variant.
Genome position (GRCh38, 1-based): chr9:132,329,561, T>C on the plus strand (A>G on the coding strand, the complement: SETX is on the minus strand). VCF-style: chr9-132329561-T-C. GRCh37 (hg19) VCF-style: chr9-135204948-T-C.
Other names: c.2037A>G (NM_015046.5); c.2037A>G, p.Leu679= (NM_001351528.2, NM_001351527.2).
Identifiers: ClinVar variation 1151383 (VCV001151383.10), dbSNP rs1432462823, ClinGen allele CA467808771.